The following is an entry in ClinVar:

NM_016169.4(SUFU):c.847G>A (p.Glu283Lys)

Gene: SUFU (SUFU negative regulator of hedgehog signaling; plus strand). Cytogenetic location: 10q24.32.
Variant type: single nucleotide variant.
Coding change: c.847G>A on transcript NM_016169.4 (MANE Select); coding-DNA position 847, G replaced by A.
Protein change: p.Glu283Lys; replaces glutamic acid 283 with lysine.
Molecular consequence: missense variant.
Genome position (GRCh38, 1-based): chr10:102,597,230, G>A. VCF-style: chr10-102597230-G-A. GRCh37 (hg19) VCF-style: chr10-104356987-G-A.
Other names: c.847G>A, p.Glu283Lys (NM_001178133.2); short protein forms E283K.
Identifiers: ClinVar variation 822488 (VCV000822488.12), dbSNP rs1554852789, ClinGen allele CA377910610.

ClinVar aggregate classification (germline): Uncertain significance. Review status: criteria provided, multiple submitters, no conflicts (2 of 4 stars). 2 submissions from 2 submitters: Uncertain significance (2). Last evaluated 2026-01-18.

Conditions:
Gorlin syndrome. Also called: Nevoid Basal Cell Carcinoma Syndrome; Basal cell nevus syndrome. Identifiers: Orphanet 377, MedGen C0004779, MONDO:0007187.
Medulloblastoma (MDB). Also called: Medulloblastoma, somatic; MEDULLOBLASTOMA PREDISPOSITION SYNDROME. Identifiers: Orphanet 616, MedGen C0025149, MeSH D008527, MONDO:0007959, OMIM 155255, HP:0002885.
Hereditary cancer-predisposing syndrome. Also called: Hereditary Cancer Syndrome; Neoplastic Syndromes, Hereditary; Hereditary neoplastic syndrome; Tumor predisposition. Identifiers: Orphanet 140162, MedGen C0027672, MeSH D009386, MONDO:0015356.

gnomAD v4.1: 3 of 1,613,978 alleles (0.00019%); highest among the groups gnomAD compares: South Asian, 0.0011%; no homozygotes.

Submissions (2):

Labcorp Genetics (formerly Invitae), Labcorp
Classification: Uncertain significance for Gorlin syndrome; Medulloblastoma. Last evaluated: 2026-01-18. Review status: criteria provided, single submitter. Criteria: Invitae Variant Classification Sherloc (09022015). Collection method: clinical testing. Allele origin: germline.
Comment: This sequence change replaces glutamic acid, which is acidic and polar, with lysine, which is basic and polar, at codon 283 of the SUFU protein (p.Glu283Lys). This variant is not present in population databases (gnomAD no frequency). This variant has not been reported in the literature in individuals affected with SUFU-related conditions. ClinVar contains an entry for this variant (Variation ID: 822488). Invitae Evidence Modeling of protein sequence and biophysical properties (such as structural, functional, and spatial information, amino acid conservation, physicochemical variation, residue mobility, and thermodynamic stability) indicates that this missense variant is not expected to disrupt SUFU protein function with a negative predictive value of 80%. In summary, the available evidence is currently insufficient to determine the role of this variant in disease. Therefore, it has been classified as a Variant of Uncertain Significance.

Ambry Genetics
Classification: Uncertain significance for Hereditary cancer-predisposing syndrome. Last evaluated: 2024-01-05. Review status: criteria provided, single submitter. Criteria: Ambry Variant Classification Scheme 2023. Collection method: clinical testing. Allele origin: germline.
Comment: The p.E283K variant (also known as c.847G>A), located in coding exon 7 of the SUFU gene, results from a G to A substitution at nucleotide position 847. The glutamic acid at codon 283 is replaced by lysine, an amino acid with similar properties. This amino acid position is highly conserved in available vertebrate species. In addition, the in silico prediction for this alteration is inconclusive. Since supporting evidence is limited at this time, the clinical significance of this alteration remains unclear.